The following is an entry in ClinVar:

ClinVar aggregate classification (germline): Conflicting classifications of pathogenicity. Review status: criteria provided, conflicting classifications (1 of 4 stars). 2 submissions from 1 submitter: Pathogenic (1); Uncertain significance (1). Last evaluated 2022-11-01.

Conditions:
3-methylcrotonyl-CoA carboxylase 1 deficiency (MCC1D). Also called: MCCD TYPE 1; METHYLCROTONYLGLYCINURIA TYPE I; MCC 1 deficiency; 3 Alpha methylcrotonylglycinuria 1. Identifiers: Orphanet 6, MedGen CN028786, MONDO:0008861, OMIM 210200.
ALG3-congenital disorder of glycosylation. Also called: CARBOHYDRATE-DEFICIENT GLYCOPROTEIN SYNDROME, TYPE IV; CDGS, TYPE IV; ALG3-CDG; CDG Id; CONGENITAL DISORDER OF GLYCOSYLATION, TYPE Id. Identifiers: Orphanet 79321, MedGen C1832736, MONDO:0010998, OMIM 601110.

Submissions (2):

Labcorp Genetics (formerly Invitae), Labcorp
Classification: Pathogenic for 3-methylcrotonyl-CoA carboxylase 1 deficiency. Last evaluated: 2022-11-01. Review status: criteria provided, single submitter. Criteria: Invitae Variant Classification Sherloc (09022015). Collection method: clinical testing. Allele origin: germline.
Comment: For these reasons, this variant has been classified as Pathogenic. This variant has not been reported in the literature in individuals affected with MCCC1-related conditions. A gross deletion of the genomic region encompassing the full coding sequence of the MCCC1 gene has been identified. Loss-of-function variants in MCCC1 are known to be pathogenic (PMID: 11181649, 15359379, 22642865). The boundaries of this event are unknown as they extend beyond the assayed region for this gene and therefore may encompass additional genes.

Labcorp Genetics (formerly Invitae), Labcorp
Classification: Uncertain significance for ALG3-congenital disorder of glycosylation. Last evaluated: 2022-08-02. Review status: criteria provided, single submitter. Criteria: Invitae Variant Classification Sherloc (09022015). Collection method: clinical testing. Allele origin: germline.
Comment: A gross deletion of the genomic region encompassing the full coding sequence of the ALG3 gene has been identified. The current clinical and genetic evidence is not sufficient to establish whether loss-of-function variants in ALG3 cause disease. The boundaries of this event are unknown as they extend beyond the assayed region for this gene and therefore may encompass additional genes. This variant has not been reported in the literature in individuals affected with ALG3-related conditions. In summary, the available evidence is currently insufficient to determine the role of this variant in disease. Therefore, it has been classified as a Variant of Uncertain Significance.

Literature cited by the submitters: PubMed 11181649; PubMed 15359379; PubMed 22642865.

NC_000003.11:g.(?_182733226)_(184094097_?)del

Genes: ALG3 (ALG3 alpha-1,3- mannosyltransferase; minus strand), PSMD2 (proteasome 26S subunit ubiquitin receptor, non-ATPase 2; plus strand), YEATS2 (YEATS domain containing 2; plus strand), VWA5B2 (von Willebrand factor A domain containing 5B2; plus strand), LAMP3 (lysosome associated membrane protein 3; minus strand) and 23 more. Cytogenetic location: 3q27.1.
Variant type: Deletion.
Identifiers: ClinVar variation 2425419 (VCV002425419.4).